The following is an entry in ClinVar:

ClinVar aggregate classification (germline): Uncertain significance (1 of 4 stars; one submission).

Submission:

Labcorp Genetics (formerly Invitae), Labcorp
Classification: Uncertain significance. Last evaluated: 2023-03-06. Review status: criteria provided, single submitter. Criteria: Invitae Variant Classification Sherloc (09022015). Collection method: clinical testing. Allele origin: germline.
Comment: This variant has not been reported in the literature in individuals affected with TBX20-related conditions. In summary, the available evidence is currently insufficient to determine the role of this variant in disease. Therefore, it has been classified as a Variant of Uncertain Significance. Advanced modeling of protein sequence and biophysical properties (such as structural, functional, and spatial information, amino acid conservation, physicochemical variation, residue mobility, and thermodynamic stability) performed at Invitae indicates that this missense variant is expected to disrupt TBX20 protein function. This variant is not present in population databases (gnomAD no frequency). This sequence change replaces alanine, which is neutral and non-polar, with valine, which is neutral and non-polar, at codon 283 of the TBX20 protein (p.Ala283Val).

NM_001077653.2(TBX20):c.848C>T (p.Ala283Val)

Gene: TBX20 (T-box transcription factor 20; minus strand). Cytogenetic location: 7p14.2.
Variant type: single nucleotide variant.
Coding change: c.848C>T on transcript NM_001077653.2 (MANE Select); coding-DNA position 848, C replaced by T.
Protein change: p.Ala283Val; replaces alanine 283 with valine.
Molecular consequence: missense variant.
Genome position (GRCh38, 1-based): chr7:35,231,546, G>A on the plus strand (C>T on the coding strand, the complement: TBX20 is on the minus strand). VCF-style: chr7-35231546-G-A. GRCh37 (hg19) VCF-style: chr7-35271158-G-A.
Other names: c.848C>T, p.Ala283Val (NM_001166220.1); short protein forms A283V.
Identifiers: ClinVar variation 2839370 (VCV002839370.3), dbSNP rs2546989832, ClinGen allele CA367263782.
Genomic context (GRCh38, chr7:35,231,546, plus strand): 5'-ACAGAAAATTCTCATTACCTCTCAATGTCAGTGAGCCTGGAGGAATCCCGGAATCCTTTG[G>A]CAAAAGGATTGCTATCTATTTTCAGCTTCGTTATCTGGAGAAAGAATGGGTACAAAACAG-3'
Protein context (NP_001071121.1, residues 273-293): TKLKIDSNPF[Ala283Val]KGFRDSSRLT